The following is an entry in ClinVar:

ClinVar aggregate classification (germline): Uncertain significance (1 of 4 stars; one submission).

Submission:

Labcorp Genetics (formerly Invitae), Labcorp
Classification: Uncertain significance. Last evaluated: 2023-06-24. Review status: criteria provided, single submitter. Criteria: Invitae Variant Classification Sherloc (09022015). Collection method: clinical testing. Allele origin: germline.
Comment: In summary, the available evidence is currently insufficient to determine the role of this variant in disease. Therefore, it has been classified as a Variant of Uncertain Significance. Advanced modeling of protein sequence and biophysical properties (such as structural, functional, and spatial information, amino acid conservation, physicochemical variation, residue mobility, and thermodynamic stability) performed at Invitae indicates that this missense variant is not expected to disrupt SETBP1 protein function. This variant has not been reported in the literature in individuals affected with SETBP1-related conditions. This variant is not present in population databases (gnomAD no frequency). This sequence change replaces aspartic acid, which is acidic and polar, with asparagine, which is neutral and polar, at codon 1328 of the SETBP1 protein (p.Asp1328Asn).

NM_015559.3(SETBP1):c.3982G>A (p.Asp1328Asn)

Gene: SETBP1 (SET binding protein 1; plus strand). Cytogenetic location: 18q12.3.
Variant type: single nucleotide variant.
Coding change: c.3982G>A on transcript NM_015559.3 (MANE Select); coding-DNA position 3982, G replaced by A.
Protein change: p.Asp1328Asn; replaces aspartic acid 1328 with asparagine.
Molecular consequence: missense variant.
Genome position (GRCh38, 1-based): chr18:44,953,322, G>A. VCF-style: chr18-44953322-G-A. GRCh37 (hg19) VCF-style: chr18-42533287-G-A.
Other names: c.3982G>A, p.Asp1328Asn (NM_001379141.1, NM_001379142.1, NM_001410862.1); short protein forms D1328N.
Identifiers: ClinVar variation 2727037 (VCV002727037.3), dbSNP rs2511478033, ClinGen allele CA402325620.